The following is an entry in ClinVar:

NM_001369.3(DNAH5):c.5482C>T (p.Gln1828Ter)

Gene: DNAH5 (dynein axonemal heavy chain 5; minus strand). Cytogenetic location: 5p15.2.
Variant type: single nucleotide variant.
Coding change: c.5482C>T on transcript NM_001369.3 (MANE Select); coding-DNA position 5482, C replaced by T.
Protein change: p.Gln1828Ter; replaces glutamine 1828 with a stop codon.
Molecular consequence: nonsense.
Genome position (GRCh38, 1-based): chr5:13,841,694, G>A on the plus strand (C>T on the coding strand, the complement: DNAH5 is on the minus strand). VCF-style: chr5-13841694-G-A. GRCh37 (hg19) VCF-style: chr5-13841803-G-A.
Other names: short protein forms Q1828*.
Identifiers: ClinVar variation 454783 (VCV000454783.16), dbSNP rs1354919632, ClinGen allele CA359210648.

ClinVar aggregate classification (germline): Pathogenic. Review status: criteria provided, multiple submitters, no conflicts (2 of 4 stars). 3 submissions from 3 submitters: Pathogenic (2). 1 of the submissions does not count toward it. Last evaluated 2024-11-05.

Conditions:
Primary ciliary dyskinesia. Also called: Ciliary dyskinesia. Identifiers: Orphanet 244, MedGen C0008780, MONDO:0016575, HP:0012265.
Primary ciliary dyskinesia 3. Identifiers: Orphanet 244, MedGen C1837618, MONDO:0012085, OMIM 608644.

Allele frequency attached by ClinVar (database versions not stated): gnomAD exomes below 0.00001 and 0.00001.
gnomAD v4.1: 10 of 1,608,702 alleles (0.00062%); highest among the groups gnomAD compares: Non-Finnish European, 0.00077%; no homozygotes.

Submissions (3):

Labcorp Genetics (formerly Invitae), Labcorp
Classification: Pathogenic for Primary ciliary dyskinesia. Last evaluated: 2024-11-05. Review status: criteria provided, single submitter. Criteria: Invitae Variant Classification Sherloc (09022015). Collection method: clinical testing. Allele origin: germline.
Comment: This sequence change creates a premature translational stop signal (p.Gln1828*) in the DNAH5 gene. It is expected to result in an absent or disrupted protein product. Loss-of-function variants in DNAH5 are known to be pathogenic (PMID: 11788826, 16627867). This variant is present in population databases (no rsID available, gnomAD 0.0009%). This premature translational stop signal has been observed in individual(s) with primary ciliary dyskinesia (PMID: 16627867). In at least one individual the data is consistent with being in trans (on the opposite chromosome) from a pathogenic variant. ClinVar contains an entry for this variant (Variation ID: 454783). Algorithms developed to predict the effect of sequence changes on RNA splicing suggest that this variant may disrupt the consensus splice site. For these reasons, this variant has been classified as Pathogenic.

Myriad Genetics, Inc.
Classification: Pathogenic for Primary ciliary dyskinesia 3. Last evaluated: 2024-05-14. Review status: criteria provided, single submitter. Criteria: Myriad Autosomal Dominant, Autosomal Recessive and X-Linked Classification Criteria (2023). Collection method: clinical testing. Allele origin: unknown.
Comment: NM_001369.2(DNAH5):c.5482C>T(Q1828*) is expected to be pathogenic in the context of primary ciliary dyskinesia, DNAH5-related. This variant is predicted to lead to an abnormal or absent protein product due to the creation of a premature termination codon in DNAH5, a gene where loss-of-function variants are known to be pathogenic. Please note: this variant was assessed in the context of healthy population screening.

Natera, Inc.
Classification: Pathogenic for Primary ciliary dyskinesia. Last evaluated: 2021-03-23. Review status: no assertion criteria provided. Collection method: clinical testing. Allele origin: germline. Not counted in ClinVar's aggregate classification.

Literature cited by the submitters: PubMed 11788826 (cited by Labcorp Genetics (formerly Invitae), Labcorp); PubMed 16627867 (cited by Labcorp Genetics (formerly Invitae), Labcorp).